The following is an entry in ClinVar:

ClinVar aggregate classification (germline): Uncertain significance. Review status: criteria provided, multiple submitters, no conflicts (2 of 4 stars). 2 submissions from 2 submitters: Uncertain significance (2). Last evaluated 2026-04-13.

Conditions:
Early-infantile DEE. Also called: Early infantile epileptic encephalopathy; Ohtahara syndrome; Early infantile epileptic encephalopathy with suppression bursts. Identifiers: Orphanet 1934, MedGen C0393706, MONDO:0800491.

Submissions (2):

Dasa
Classification: Uncertain significance. Last evaluated: 2026-04-13. Review status: criteria provided, single submitter. Criteria: DASA Assertion Criteria. Collection method: clinical testing. Allele origin: germline.
Comment: NM_001130438.3(SPTAN1):c.449A>G (p.Lys150Arg) is a missense variant that results in the substitution of lysine with arginine. This variant is rare in population databases. Computational prediction algorithms are consistent with a deleterious effect. The currently available literature and clinical evidence are not sufficient to establish a definitive association between this variant and the reported condition. Therefore, this variant is classified as a variant of uncertain significance.

Labcorp Genetics (formerly Invitae), Labcorp
Classification: Uncertain significance for Early-infantile DEE. Last evaluated: 2024-05-28. Review status: criteria provided, single submitter. Criteria: Invitae Variant Classification Sherloc (09022015). Collection method: clinical testing. Allele origin: germline.
Comment: This sequence change replaces lysine, which is basic and polar, with arginine, which is basic and polar, at codon 150 of the SPTAN1 protein (p.Lys150Arg). This variant is not present in population databases (gnomAD no frequency). This variant has not been reported in the literature in individuals affected with SPTAN1-related conditions. Advanced modeling of protein sequence and biophysical properties (such as structural, functional, and spatial information, amino acid conservation, physicochemical variation, residue mobility, and thermodynamic stability) has been performed at Invitae for this missense variant, however the output from this modeling did not meet the statistical confidence thresholds required to predict the impact of this variant on SPTAN1 protein function. Algorithms developed to predict the effect of sequence changes on RNA splicing suggest that this variant may create or strengthen a splice site. In summary, the available evidence is currently insufficient to determine the role of this variant in disease. Therefore, it has been classified as a Variant of Uncertain Significance.

NM_001130438.3(SPTAN1):c.449A>G (p.Lys150Arg)

Gene: SPTAN1 (spectrin alpha, non-erythrocytic 1; plus strand). Cytogenetic location: 9q34.11.
Variant type: single nucleotide variant.
Coding change: c.449A>G on transcript NM_001130438.3 (MANE Select); coding-DNA position 449, A replaced by G.
Protein change: p.Lys150Arg; replaces lysine 150 with arginine.
Molecular consequence: missense variant.
Genome position (GRCh38, 1-based): chr9:128,574,760, A>G. VCF-style: chr9-128574760-A-G. GRCh37 (hg19) VCF-style: chr9-131337039-A-G.
Other names: c.485A>G, p.Lys162Arg (NM_001375318.1, NM_001375312.2); c.449A>G, p.Lys150Arg (NM_003127.4, NM_001195532.2, NM_001363759.2 and 5 more transcripts); short protein forms K150R, K162R.
Identifiers: ClinVar variation 3635893 (VCV003635893.4).
Genomic context (GRCh38, chr9:128,574,760, plus strand): 5'-AGTGGGAATTACTTTTGGAGAAGATGCGAGAAAAAGGAATCAAACTGCTGCAGGCCCAGA[A>G]GTTGGTGCAGTACTTACGAGAATGTGAGGACGTGATGGACTGGATCAATGACAAGGCACG-3'
Protein context (NP_001123910.1, residues 140-160): EKGIKLLQAQ[Lys150Arg]LVQYLRECED